The following is an entry in ClinVar:

ClinVar aggregate classification (germline): Uncertain significance (1 of 4 stars; one submission).

Conditions:
Severe combined immunodeficiency due to DNA-PKcs deficiency. Also called: IMMUNODEFICIENCY 26 WITH NEUROLOGIC ABNORMALITIES; Immunodeficiency 26 with or without neurologic abnormalities. Identifiers: Orphanet 317425, MedGen C4014833, MONDO:0014423, OMIM 615966.

Allele frequency attached by ClinVar (database versions not stated): ExAC 0.00001; gnomAD exomes 0.00001 and 0.00002; TOPMed 0.00001; gnomAD 0.00002.
gnomAD v4.1: 24 of 1,612,864 alleles (0.0015%); highest among the groups gnomAD compares: East Asian, 0.0045%; no homozygotes.

Submission:

Labcorp Genetics (formerly Invitae), Labcorp
Classification: Uncertain significance for Severe combined immunodeficiency due to DNA-PKcs deficiency. Last evaluated: 2022-06-20. Review status: criteria provided, single submitter. Criteria: Invitae Variant Classification Sherloc (09022015). Collection method: clinical testing. Allele origin: germline.
Comment: This sequence change replaces threonine, which is neutral and polar, with methionine, which is neutral and non-polar, at codon 2075 of the PRKDC protein (p.Thr2075Met). This variant is present in population databases (rs769896993, gnomAD 0.005%). This variant has not been reported in the literature in individuals affected with PRKDC-related conditions. Experimental studies and prediction algorithms are not available or were not evaluated, and the functional significance of this variant is currently unknown. In summary, the available evidence is currently insufficient to determine the role of this variant in disease. Therefore, it has been classified as a Variant of Uncertain Significance.

NM_006904.7(PRKDC):c.6224C>T (p.Thr2075Met)

Gene: PRKDC (protein kinase, DNA-activated, catalytic subunit; minus strand). Cytogenetic location: 8q11.21.
Variant type: single nucleotide variant.
Coding change: c.6224C>T on transcript NM_006904.7 (MANE Select); coding-DNA position 6224, C replaced by T.
Protein change: p.Thr2075Met; replaces threonine 2075 with methionine.
Molecular consequence: missense variant.
Genome position (GRCh38, 1-based): chr8:47,858,970, G>A on the plus strand (C>T on the coding strand, the complement: PRKDC is on the minus strand). VCF-style: chr8-47858970-G-A. GRCh37 (hg19) VCF-style: chr8-48771531-G-A.
Other names: c.6224C>T, p.Thr2075Met (NM_001081640.2); short protein forms T2075M.
Identifiers: ClinVar variation 1393069 (VCV001393069.3), dbSNP rs769896993, ClinGen allele CA4740421.
Genomic context (GRCh38, chr8:47,858,970, plus strand): 5'-GCCATGCACTCATGCCGATTGAGCTCGTCCATCTCCAGCTCCAGCACATCATCATGCACC[G>A]TGGGGTCCCGCTGCTCCTGCGAAAGGGAGGGCCCAGGAGAGCAGAGGGTACAGTTAACAT-3'
Protein context (NP_008835.5, residues 2065-2085): RFRRREQRDP[Thr2075Met]VHDDVLELEM